The following is an entry in ClinVar:

ClinVar aggregate classification (germline): Uncertain significance. Review status: criteria provided, multiple submitters, no conflicts (2 of 4 stars). 2 submissions from 2 submitters: Uncertain significance (2). Last evaluated 2025-07-29.

Conditions:
Episodic kinesigenic dyskinesia (EKD). Also called: Paroxysmal kinesigenic dyskinesia. Identifiers: Orphanet 98809, MedGen C1868682, MONDO:0044202.

Submissions (2):

Dasa
Classification: Uncertain significance. Last evaluated: 2025-07-29. Review status: criteria provided, single submitter. Criteria: DASA Assertion Criteria. Collection method: clinical testing. Allele origin: germline.
Comment: NM_145239.3(PRRT2):c.886A>T (p.Asn296Tyr) is a missense variant that results in the substitution of asparagine with tyrosine. This variant is absent from population databases. Computational prediction algorithms are consistent with a deleterious effect. The currently available literature and clinical evidence are not sufficient to establish a definitive association between this variant and the reported condition. Therefore, this variant is classified as a variant of uncertain significance.

Labcorp Genetics (formerly Invitae), Labcorp
Classification: Uncertain significance for Episodic kinesigenic dyskinesia. Last evaluated: 2023-07-06. Review status: criteria provided, single submitter. Criteria: Invitae Variant Classification Sherloc (09022015). Collection method: clinical testing. Allele origin: germline.
Comment: In summary, the available evidence is currently insufficient to determine the role of this variant in disease. Therefore, it has been classified as a Variant of Uncertain Significance. Algorithms developed to predict the effect of sequence changes on RNA splicing suggest that this variant may disrupt the consensus splice site. Advanced modeling of protein sequence and biophysical properties (such as structural, functional, and spatial information, amino acid conservation, physicochemical variation, residue mobility, and thermodynamic stability) performed at Invitae indicates that this missense variant is expected to disrupt PRRT2 protein function. This variant has not been reported in the literature in individuals affected with PRRT2-related conditions. This variant is not present in population databases (gnomAD no frequency). This sequence change replaces asparagine, which is neutral and polar, with tyrosine, which is neutral and polar, at codon 296 of the PRRT2 protein (p.Asn296Tyr).

NM_145239.3(PRRT2):c.886A>T (p.Asn296Tyr)

Genes: MVP-DT (MVP divergent transcript; minus strand), PRRT2 (proline rich transmembrane protein 2; plus strand). Cytogenetic location: 16p11.2.
Variant type: single nucleotide variant.
Coding change: c.886A>T on transcript NM_145239.3 (MANE Select); coding-DNA position 886, A replaced by T.
Protein change: p.Asn296Tyr; replaces asparagine 296 with tyrosine.
Molecular consequence: missense variant. On other transcripts: 3 prime UTR variant (1).
Genome position (GRCh38, 1-based): chr16:29,814,339, A>T. VCF-style: chr16-29814339-A-T. GRCh37 (hg19) VCF-style: chr16-29825660-A-T.
Other names: c.886A>T, p.Asn296Tyr (NM_001256442.2); c.*385A>T (NM_001256443.2); short protein forms N296Y.
Identifiers: ClinVar variation 2982459 (VCV002982459.5), dbSNP rs1225946282, ClinGen allele CA395480475.